The following is an entry in ClinVar:

ClinVar aggregate classification (germline): Conflicting classifications of pathogenicity. Review status: criteria provided, conflicting classifications (1 of 4 stars). 3 submissions from 3 submitters: Uncertain significance (2); Likely benign (1). Last evaluated 2025-08-03.

Conditions:
Long QT syndrome (LQTS). Identifiers: MedGen C0023976, MeSH D008133, MONDO:0002442. Disease mechanism: loss of function. Inheritance: Various modes of inheritance.
Cardiovascular phenotype. Identifiers: MedGen CN230736.

Allele frequency attached by ClinVar (database versions not stated): gnomAD exomes 0.00004 and 0.00011; ExAC 0.00005; gnomAD 0.00006; TOPMed 0.00006.
gnomAD v4.1: 168 of 1,614,066 alleles (0.01%); highest among the groups gnomAD compares: Non-Finnish European, 0.013%; no homozygotes.

Submissions (3):

Labcorp Genetics (formerly Invitae), Labcorp
Classification: Uncertain significance for Long QT syndrome. Last evaluated: 2025-08-03. Review status: criteria provided, single submitter. Criteria: Invitae Variant Classification Sherloc (09022015). Collection method: clinical testing. Allele origin: germline.
Comment: This sequence change replaces threonine, which is neutral and polar, with alanine, which is neutral and non-polar, at codon 3315 of the AKAP9 protein (p.Thr3315Ala). This variant is present in population databases (rs747162821, gnomAD 0.009%). This missense change has been observed in individual(s) with long QT syndrome and/or clinical features of cardiomyopathy (PMID: 24981977, 33232181). ClinVar contains an entry for this variant (Variation ID: 660960). An algorithm developed to predict the effect of missense changes on protein structure and function outputs the following: PolyPhen-2: "Benign". The alanine amino acid residue is found in multiple mammalian species, which suggests that this missense change does not adversely affect protein function. In summary, the available evidence is currently insufficient to determine the role of this variant in disease. Therefore, it has been classified as a Variant of Uncertain Significance.

Ambry Genetics
Classification: Likely benign for Cardiovascular phenotype. Last evaluated: 2023-04-17. Review status: criteria provided, single submitter. Criteria: Ambry Variant Classification Scheme 2023. Collection method: clinical testing. Allele origin: germline.

Breakthrough Genomics
Classification: Uncertain significance. Review status: criteria provided, single submitter. Criteria: ACMG Guidelines, 2015. Collection method: not provided. Allele origin: germline. Inheritance: Autosomal recessive inheritance. Affected: yes.

Literature cited by the submitters: PubMed 24981977 (cited by Labcorp Genetics (formerly Invitae), Labcorp); PubMed 33232181 (cited by Labcorp Genetics (formerly Invitae), Labcorp).

NM_005751.5(AKAP9):c.9943A>G (p.Thr3315Ala)

Gene: AKAP9 (A-kinase anchoring protein 9; plus strand). Cytogenetic location: 7q21.2.
Variant type: single nucleotide variant.
Coding change: c.9943A>G on transcript NM_005751.5 (MANE Select); coding-DNA position 9943, A replaced by G.
Protein change: p.Thr3315Ala; replaces threonine 3315 with alanine.
Molecular consequence: missense variant.
Genome position (GRCh38, 1-based): chr7:92,096,902, A>G. VCF-style: chr7-92096902-A-G. GRCh37 (hg19) VCF-style: chr7-91726216-A-G.
Other names: c.4588A>G, p.Thr1530Ala (NM_001379277.1); c.9919A>G, p.Thr3307Ala (NM_147185.3); short protein forms T3307A, T3315A, T1530A.
Identifiers: ClinVar variation 660960 (VCV000660960.26), dbSNP rs747162821, ClinGen allele CA4337872.